The following is an entry in ClinVar:

NM_006904.7(PRKDC):c.8671C>G (p.Arg2891Gly)

Genes: PRKDC (protein kinase, DNA-activated, catalytic subunit; minus strand), LOC121740717 (Sharpr-MPRA regulatory region 7649; plus strand). Cytogenetic location: 8q11.21.
Variant type: single nucleotide variant.
Coding change: c.8671C>G on transcript NM_006904.7 (MANE Select); coding-DNA position 8671, C replaced by G.
Protein change: p.Arg2891Gly; replaces arginine 2891 with glycine.
Molecular consequence: missense variant.
Genome position (GRCh38, 1-based): chr8:47,826,768, G>C on the plus strand (C>G on the coding strand, the complement: PRKDC is on the minus strand). VCF-style: chr8-47826768-G-C. GRCh37 (hg19) VCF-style: chr8-48739329-G-C.
Other names: c.8671C>G, p.Arg2891Gly (NM_001081640.2); short protein forms R2891G.
Identifiers: ClinVar variation 2082745 (VCV002082745.2), dbSNP rs565638844, ClinGen allele CA4739764.

ClinVar aggregate classification (germline): Uncertain significance (1 of 4 stars; one submission).

Conditions:
Severe combined immunodeficiency due to DNA-PKcs deficiency. Also called: IMMUNODEFICIENCY 26 WITH NEUROLOGIC ABNORMALITIES; Immunodeficiency 26 with or without neurologic abnormalities. Identifiers: Orphanet 317425, MedGen C4014833, MONDO:0014423, OMIM 615966.

Allele frequency attached by ClinVar (database versions not stated): 1000 Genomes Project 30x 0.00016; 1000 Genomes Project 0.00020.
gnomAD v4.1: 107 of 1,612,018 alleles (0.0066%); highest among the groups gnomAD compares: South Asian, 0.12%; 4 homozygotes.

Submission:

Labcorp Genetics (formerly Invitae), Labcorp
Classification: Uncertain significance for Severe combined immunodeficiency due to DNA-PKcs deficiency. Last evaluated: 2022-05-31. Review status: criteria provided, single submitter. Criteria: Invitae Variant Classification Sherloc (09022015). Collection method: clinical testing. Allele origin: germline.
Comment: In summary, the available evidence is currently insufficient to determine the role of this variant in disease. Therefore, it has been classified as a Variant of Uncertain Significance. Experimental studies and prediction algorithms are not available or were not evaluated, and the functional significance of this variant is currently unknown. This variant has not been reported in the literature in individuals affected with PRKDC-related conditions. This variant is present in population databases (rs565638844, gnomAD 0.1%), including at least one homozygous and/or hemizygous individual. This sequence change replaces arginine, which is basic and polar, with glycine, which is neutral and non-polar, at codon 2891 of the PRKDC protein (p.Arg2891Gly).